The following is an entry in ClinVar:

ClinVar aggregate classification (germline): Uncertain significance. Review status: criteria provided, multiple submitters, no conflicts (2 of 4 stars). 3 submissions from 3 submitters: Uncertain significance (3). Last evaluated 2025-03-31.

Conditions:
Hypotonia, ataxia, developmental delay, and tooth enamel defect syndrome. Identifiers: MedGen C4693578, MONDO:0060666, OMIM 617915.

Allele frequency attached by ClinVar (database versions not stated): gnomAD exomes below 0.00001.
gnomAD v4.1: 2 of 1,543,164 alleles (0.00013%); highest among the groups gnomAD compares: Non-Finnish European, 0.000087%; no homozygotes.

Submissions (3):

Labcorp Genetics (formerly Invitae), Labcorp
Classification: Uncertain significance. Last evaluated: 2025-03-31. Review status: criteria provided, single submitter. Criteria: Invitae Variant Classification Sherloc (09022015). Collection method: clinical testing. Allele origin: germline.
Comment: This sequence change replaces glutamine, which is neutral and polar, with histidine, which is basic and polar, at codon 148 of the CTBP1 protein (p.Gln148His). This variant is not present in population databases (gnomAD no frequency). This variant has not been reported in the literature in individuals affected with CTBP1-related conditions. ClinVar contains an entry for this variant (Variation ID: 2440597). Invitae Evidence Modeling of protein sequence and biophysical properties (such as structural, functional, and spatial information, amino acid conservation, physicochemical variation, residue mobility, and thermodynamic stability) indicates that this missense variant is not expected to disrupt CTBP1 protein function with a negative predictive value of 80%. In summary, the available evidence is currently insufficient to determine the role of this variant in disease. Therefore, it has been classified as a Variant of Uncertain Significance.

Revvity Omics, Revvity
Classification: Uncertain significance for Hypotonia, ataxia, developmental delay, and tooth enamel defect syndrome. Last evaluated: 2022-11-23. Review status: criteria provided, single submitter. Criteria: ACMG Guidelines, 2015. Collection method: clinical testing. Allele origin: germline.

CeGaT Center for Human Genetics Tuebingen
Classification: Uncertain significance. Last evaluated: 2022-11-01. Review status: criteria provided, single submitter. Criteria: CeGaT Center For Human Genetics Tuebingen Variant Classification Criteria Version 2. Collection method: clinical testing. Allele origin: germline. Affected: yes. Observed: 1 variant allele.
Comment: CTBP1: PM2, PP2

NM_001012614.2(CTBP1):c.411G>C (p.Gln137His)

Gene: CTBP1 (C-terminal binding protein 1; minus strand). Cytogenetic location: 4p16.3.
Variant type: single nucleotide variant.
Coding change: c.411G>C on transcript NM_001012614.2 (MANE Select); coding-DNA position 411, G replaced by C.
Protein change: p.Gln137His; replaces glutamine 137 with histidine.
Molecular consequence: missense variant.
Genome position (GRCh38, 1-based): chr4:1,225,463, C>G on the plus strand (G>C on the coding strand, the complement: CTBP1 is on the minus strand). VCF-style: chr4-1225463-C-G. GRCh37 (hg19) VCF-style: chr4-1219251-C-G.
Other names: c.411G>C, p.Gln137His (NM_001377187.1, NM_001377188.1, NM_001377189.1 and 4 more transcripts); c.444G>C, p.Gln148His (NM_001328.3, NM_001377186.1); short protein forms Q137H, Q148H.
Identifiers: ClinVar variation 2440597 (VCV002440597.28), dbSNP rs1359438837, ClinGen allele CA355954257.